The following is an entry in ClinVar:

ClinVar aggregate classification (germline): Uncertain significance (1 of 4 stars; one submission).

Conditions:
Kabuki syndrome. Also called: NIIKAWA-KUROKI SYNDROME; Kabuki make-up syndrome. Identifiers: Orphanet 2322, MedGen C0796004, MONDO:0016512.

gnomAD v4.1: 1 of 1,613,676 alleles (0.000062%); highest among the groups gnomAD compares: Non-Finnish European, 0.000085%; no homozygotes.

Submission:

Labcorp Genetics (formerly Invitae), Labcorp
Classification: Uncertain significance for Kabuki syndrome. Last evaluated: 2024-08-23. Review status: criteria provided, single submitter. Criteria: Invitae Variant Classification Sherloc (09022015). Collection method: clinical testing. Allele origin: germline.
Comment: This sequence change replaces proline, which is neutral and non-polar, with serine, which is neutral and polar, at codon 2310 of the KMT2D protein (p.Pro2310Ser). This variant is not present in population databases (gnomAD no frequency). This variant has not been reported in the literature in individuals affected with KMT2D-related conditions. Invitae Evidence Modeling of protein sequence and biophysical properties (such as structural, functional, and spatial information, amino acid conservation, physicochemical variation, residue mobility, and thermodynamic stability) indicates that this missense variant is not expected to disrupt KMT2D protein function with a negative predictive value of 95%. In summary, the available evidence is currently insufficient to determine the role of this variant in disease. Therefore, it has been classified as a Variant of Uncertain Significance.

NM_003482.4(KMT2D):c.6928C>T (p.Pro2310Ser)

Gene: KMT2D (lysine methyltransferase 2D; minus strand). Cytogenetic location: 12q13.12.
Variant type: single nucleotide variant.
Coding change: c.6928C>T on transcript NM_003482.4 (MANE Select); coding-DNA position 6928, C replaced by T.
Protein change: p.Pro2310Ser; replaces proline 2310 with serine.
Molecular consequence: missense variant.
Genome position (GRCh38, 1-based): chr12:49,040,842, G>A on the plus strand (C>T on the coding strand, the complement: KMT2D is on the minus strand). VCF-style: chr12-49040842-G-A. GRCh37 (hg19) VCF-style: chr12-49434625-G-A.
Other names: short protein forms P2310S.
Identifiers: ClinVar variation 3719996 (VCV003719996.2).